The following is an entry in ClinVar:

ClinVar aggregate classification (germline): Conflicting classifications of pathogenicity. Review status: criteria provided, conflicting classifications (1 of 4 stars). 7 submissions from 7 submitters: Uncertain significance (5); Likely benign (2). Last evaluated 2025-04-29.

Conditions:
Autosomal recessive limb-girdle muscular dystrophy type 2J (LGMDR10). Also called: MUSCULAR DYSTROPHY, LIMB-GIRDLE, AUTOSOMAL RECESSIVE 10; Limb-girdle muscular dystrophy, type 2J. Identifiers: Orphanet 140922, MedGen C1837342, MONDO:0012127, OMIM 608807.
Dilated cardiomyopathy 1G (CMD1G). Identifiers: Orphanet 154, MedGen C1858763, MONDO:0011400, OMIM 604145.

Allele frequency attached by ClinVar (database versions not stated): gnomAD exomes 0.00011 and 0.00020; TOPMed 0.00011; ExAC 0.00016; gnomAD 0.00016 and 0.00017.
gnomAD v4.1: 304 of 1,609,640 alleles (0.019%); highest among the groups gnomAD compares: Non-Finnish European, 0.024%; no homozygotes.

Submissions (7):

Women's Health and Genetics/Laboratory Corporation of America, LabCorp
Classification: Uncertain significance. Last evaluated: 2025-04-29. Review status: criteria provided, single submitter. Criteria: LabCorp Variant Classification Summary - May 2015. Collection method: clinical testing. Allele origin: germline.

Revvity Omics, Revvity
Classification: Uncertain significance. Last evaluated: 2024-10-30. Review status: criteria provided, single submitter. Criteria: ACMG Guidelines, 2015. Collection method: clinical testing. Allele origin: germline.

Mayo Clinic Laboratories, Mayo Clinic
Classification: Uncertain significance. Last evaluated: 2023-02-24. Review status: criteria provided, single submitter. Criteria: ACMG Guidelines, 2015. Collection method: clinical testing. Allele origin: germline. Observed: 1 variant allele.

Blueprint Genetics
Classification: Likely benign. Last evaluated: 2022-10-20. Review status: criteria provided, single submitter. Criteria: ACMG Guidelines, 2015. Collection method: clinical testing. Allele origin: germline.

GeneDx
Classification: Likely benign. Last evaluated: 2021-05-06. Review status: criteria provided, single submitter. Criteria: GeneDx Variant Classification Process June 2021. Collection method: clinical testing. Allele origin: germline. Affected: yes.
Comment: Has not been previously published as pathogenic or benign to our knowledge

Labcorp Genetics (formerly Invitae), Labcorp
Classification: Uncertain significance for Dilated cardiomyopathy 1G; Autosomal recessive limb-girdle muscular dystrophy type 2J. Last evaluated: 2017-12-27. Review status: criteria provided, single submitter. Criteria: Invitae Variant Classification Sherloc (09022015). Collection method: clinical testing. Allele origin: germline.

Eurofins Ntd Llc (ga)
Classification: Uncertain significance. Last evaluated: 2017-08-25. Review status: criteria provided, single submitter. Criteria: EGL Classification Definitions 2015. Collection method: clinical testing. Allele origin: germline. Observed: 3 variant alleles, 2 heterozygotes, 1 homozygote.

NM_001267550.2(TTN):c.30513A>T (p.Glu10171Asp)

Gene: TTN (titin; minus strand). Cytogenetic location: 2q31.2.
Variant type: single nucleotide variant.
Coding change: c.30513A>T on transcript NM_001267550.2 (MANE Select); coding-DNA position 30513, A replaced by T.
Protein change: p.Glu10171Asp; replaces glutamic acid 10171 with aspartic acid.
Molecular consequence: missense variant. On other transcripts: intron variant (3).
Genome position (GRCh38, 1-based): chr2:178,702,065, T>A on the plus strand (A>T on the coding strand, the complement: TTN is on the minus strand). VCF-style: chr2-178702065-T-A. GRCh37 (hg19) VCF-style: chr2-179566792-T-A.
Other names: p.E9854D:GAA>GAT; p.Glu9854Asp; c.29562A>T, p.Glu9854Asp (NM_001256850.1); c.26781A>T, p.Glu8927Asp (NM_133378.4); c.13282+36017A>T (NM_003319.4); c.13858+36017A>T (NM_133437.4); c.13657+36017A>T (NM_133432.3); short protein forms E10171D, E9854D, E8927D.
Identifiers: ClinVar variation 193778 (VCV000193778.17), dbSNP rs577066020, ClinGen allele CA302714.
Genomic context (GRCh38, chr2:178,702,065, plus strand): 5'-TGTAAGCAAGGATTGATTTTTACAAAACAACTTACCAGGAGGCTTCAGCTCAAGTTTGAT[T>A]TCTGCAAAATAAAAAAAAAATGATATTTTTGTGTTCAGAATGGTATAGGTAGGCTACGTG-3'
Protein context (NP_001254479.2, residues 10161-10181): STAELYLTTK[Glu10171Asp]IKLELKPPDI